The following is an entry in ClinVar:

NM_000020.3(ACVRL1):c.1132C>T (p.Pro378Ser)

Gene: ACVRL1 (activin A receptor like type 1; plus strand). Cytogenetic location: 12q13.13.
Variant type: single nucleotide variant.
Coding change: c.1132C>T on transcript NM_000020.3 (MANE Select); coding-DNA position 1132, C replaced by T.
Protein change: p.Pro378Ser; replaces proline 378 with serine.
Molecular consequence: missense variant.
Genome position (GRCh38, 1-based): chr12:51,916,119, C>T. VCF-style: chr12-51916119-C-T. GRCh37 (hg19) VCF-style: chr12-52309903-C-T.
Other names: c.1132C>T, p.Pro378Ser (NM_001077401.2); short protein forms P378S.
Identifiers: ClinVar variation 811496 (VCV000811496.18), dbSNP rs959973779, ClinGen allele CA236364916.

ClinVar aggregate classification (germline): Pathogenic/Likely pathogenic. Review status: criteria provided, multiple submitters, no conflicts (2 of 4 stars). 3 submissions from 3 submitters: Pathogenic (2); Likely pathogenic (1). Last evaluated 2025-08-25.

Conditions:
Cardiovascular phenotype. Identifiers: MedGen CN230736.
Telangiectasia, hereditary hemorrhagic, type 2 (HHT2). Also called: Telangiectasia, hereditary hemorrhagic, type II; ACVRL1-Related Hereditary Hemorrhagic Telangiectasia. Identifiers: Orphanet 774, MedGen C1838163, MONDO:0010880, OMIM 600376. Disease mechanism: loss of function.

Submissions (3):

Labcorp Genetics (formerly Invitae), Labcorp
Classification: Pathogenic for Telangiectasia, hereditary hemorrhagic, type 2. Last evaluated: 2025-08-25. Review status: criteria provided, single submitter. Criteria: Invitae Variant Classification Sherloc (09022015). Collection method: clinical testing. Allele origin: germline.
Comment: This sequence change replaces proline, which is neutral and non-polar, with serine, which is neutral and polar, at codon 378 of the ACVRL1 protein (p.Pro378Ser). This variant is not present in population databases (gnomAD no frequency). This missense change has been observed in individual(s) with hereditary hemorrhagic telangiectasia (PMID: 20414677, 21158752, 24196379, 26176610; internal data). ClinVar contains an entry for this variant (Variation ID: 811496). Invitae Evidence Modeling of protein sequence and biophysical properties (such as structural, functional, and spatial information, amino acid conservation, physicochemical variation, residue mobility, and thermodynamic stability) indicates that this missense variant is expected to disrupt ACVRL1 protein function with a positive predictive value of 95%. Experimental studies have shown that this missense change affects ACVRL1 function (PMID: 26176610). This variant disrupts the p.Pro378 amino acid residue in ACVRL1. Other variant(s) that disrupt this residue have been observed in individuals with ACVRL1-related conditions (PMID: 12114496, 15712271), which suggests that this may be a clinically significant amino acid residue. For these reasons, this variant has been classified as Pathogenic.

Ambry Genetics
Classification: Pathogenic for Cardiovascular phenotype. Last evaluated: 2020-04-24. Review status: criteria provided, single submitter. Criteria: Ambry Variant Classification Scheme 2023. Collection method: clinical testing. Allele origin: germline.
Comment: The p.P378S pathogenic mutation (also known as c.1132C>T), located in coding exon 7 of the ACVRL1 gene, results from a C to T substitution at nucleotide position 1132. The proline at codon 378 is replaced by serine, an amino acid with similar properties. This mutation was first reported in an individual with expistaxis, telangiectasia, and a family history of hereditary hemorrhagic telangiectasia (Richards-Yutz J, Hum. Genet. 2010 Jul; 128(1):61-77). In addition, in vitro functional studies demonstrated that the resulting protein is predominantly immature and not localized to the cell surface (Alaa El Din F, PLoS ONE 2015 ; 10(7):e0132111). Based on the available evidence to date, this alteration is classified as a pathogenic mutation.

ARUP Laboratories, Molecular Genetics and Genomics, ARUP Laboratories
Classification: Likely pathogenic for Telangiectasia, hereditary hemorrhagic, type 2. Last evaluated: 2018-08-10. Review status: criteria provided, single submitter. Criteria: ARUP Molecular Germline Variant Investigation Process. Collection method: clinical testing. Allele origin: germline.
Comment: The ACVRL1 c.1132C>T; p.Pro378Ser variant (rs959973779), is reported in the literature in multiple individuals affected with hereditary hemorrhagic telangiectasia (HHT) (Alaa 2015, Komiyama 2014, McDonald 2011, Richards-Yutz 2010). This variant is absent from general population databases (1000 Genomes Project, Exome Variant Server, and Genome Aggregation Database), indicating it is not a common polymorphism. Additionally, another variant at this codon (c.1133C>A, p.Pro378His) has been reported as a de novo variant in a family with HHT (Abdalla 2005). The proline at codon 378 is highly conserved, and computational analyses (SIFT, PolyPhen-2) predict that this variant is deleterious. Furthermore, codon 378 is located in the kinase subdomain VIII, which is critical for substrate recognition (Abdalla 2005, Ricard 2010), and multiple other variants in this domain are considered pathogenic in ClinVar. Based on available information, the p.Pro378Ser variant is considered to be likely pathogenic. References: Abdalla SA et al. Novel mutations and polymorphisms in genes causing hereditary hemorrhagic telangiectasia. Hum Mutat. 2005 Mar;25(3):320-1. Alaa El Din F et al. Functional and splicing defect analysis of 23 ACVRL1 mutations in a cohort of patients affected by Hereditary Hemorrhagic Telangiectasia. PLoS One. 2015 Jul 15;10(7):e0132111. Komiyama M et al. Hereditary hemorrhagic telangiectasia in Japanese patients. J Hum Genet. 2014 Jan;59(1):37-41. McDonald J et al. Molecular diagnosis in hereditary hemorrhagic telangiectasia: findings in a series tested simultaneously by sequencing and deletion/duplication analysis. Clin Genet. 2011 Apr;79(4):335-44. Ricard N et al. Functional analysis of the BMP9 response of ALK1 mutants from HHT2 patients: a diagnostic tool for novel ACVRL1 mutations. Blood. 2010 Sep 2;116(9):1604-12. Richards-Yutz J et al. Update on molecular diagnosis of hereditary hemorrhagic telangiectasia. Hum Genet. 2010 Jul;128(1):61-77.

Literature cited by the submitters: PubMed 20414677 (cited by Labcorp Genetics (formerly Invitae), Labcorp and Ambry Genetics); PubMed 21158752 (cited by Labcorp Genetics (formerly Invitae), Labcorp); PubMed 24196379 (cited by Labcorp Genetics (formerly Invitae), Labcorp); PubMed 26176610 (cited by Labcorp Genetics (formerly Invitae), Labcorp and Ambry Genetics); PubMed 12114496 (cited by Labcorp Genetics (formerly Invitae), Labcorp); PubMed 15712271 (cited by Labcorp Genetics (formerly Invitae), Labcorp); PubMed 21546842 (cited by Ambry Genetics).